The following is an entry in ClinVar:

NM_001379200.1(TBX1):c.158CGC[3] (p.Pro56_Pro57del)

Gene: TBX1 (T-box transcription factor 1; plus strand). Cytogenetic location: 22q11.21.
Variant type: Microsatellite.
Coding change: c.158CGC[3] on transcript NM_001379200.1 (MANE Select); three copies in a row of the 3-base unit CGC starting at c.158; the reference has five copies in a row; two copies, 6 bases deleted.
Protein change: p.Pro56_Pro57del.
Molecular consequence: inframe deletion.
Genome position (GRCh38, 1-based): chr22:19,761,010-19,761,015, CGCCGC deleted; deleting any 6 consecutive bases within chr22:19,761,000-19,761,015 gives the same sequence; the position shown is the placement nearest the transcript's 3' end. VCF-style (leftmost placement, unchanged base first): chr22-19760999-CCCGCCG-C. GRCh37 (hg19) VCF-style: chr22-19748522-CCCGCCG-C.
Other names: c.131CGC[3], p.Pro47_Pro48del (NM_005992.1, NM_080646.2, NM_080647.1); c.140_145delCGCCGC (NM_080647.1).
Identifiers: ClinVar variation 526038 (VCV000526038.8), dbSNP rs886038791, ClinGen allele CA322051980.
Genomic context (GRCh38, chr22:19,760,999, plus strand): 5'-CGCGGGGGGCTTCCCGGGCGCCGCGTCGCCCGGCGCCGACCCGTACGGCCCGCGCGAGCC[CCCGCCG>C]CCGCCGCCGCGCTACGACCCGTGCGCCGCCGCCGCCCCCGGCGCCCCGGGCCCGCCGCCG-3'

ClinVar aggregate classification (germline): Uncertain significance (1 of 4 stars; one submission).

Conditions:
DiGeorge syndrome. Also called: THIRD AND FOURTH PHARYNGEAL POUCH SYNDROME; Catch22. Identifiers: Orphanet 567, MedGen C0012236, MONDO:0008564, OMIM 188400.

Submission:

Labcorp Genetics (formerly Invitae), Labcorp
Classification: Uncertain significance for DiGeorge syndrome. Last evaluated: 2023-07-22. Review status: criteria provided, single submitter. Criteria: Invitae Variant Classification Sherloc (09022015). Collection method: clinical testing. Allele origin: germline.
Comment: In summary, the available evidence is currently insufficient to determine the role of this variant in disease. Therefore, it has been classified as a Variant of Uncertain Significance. Experimental studies and prediction algorithms are not available or were not evaluated, and the functional significance of this variant is currently unknown. ClinVar contains an entry for this variant (Variation ID: 526038). This variant has not been reported in the literature in individuals affected with TBX1-related conditions. The frequency data for this variant in the population databases is considered unreliable, as metrics indicate poor data quality at this position in the gnomAD database. This variant, c.140_145del, results in the deletion of 2 amino acid(s) of the TBX1 protein (p.Pro47_Pro48del), but otherwise preserves the integrity of the reading frame.